The following is an entry in ClinVar:

ClinVar aggregate classification (germline): Uncertain significance (1 of 4 stars; one submission).

Submission:

GeneDx
Classification: Uncertain significance. Last evaluated: 2025-05-11. Review status: criteria provided, single submitter. Criteria: GeneDx Variant Classification Process June 2021. Collection method: clinical testing. Allele origin: germline. Affected: yes.
Comment: Not observed at significant frequency in large population cohorts (gnomAD); In silico analysis suggests that this missense variant does not alter protein structure/function; Has not been previously published as pathogenic or benign to our knowledge

NM_031407.7(HUWE1):c.10315T>G (p.Ser3439Ala)

Gene: HUWE1 (HECT, UBA and WWE domain containing E3 ubiquitin protein ligase 1; minus strand). Cytogenetic location: Xp11.22.
Variant type: single nucleotide variant.
Coding change: c.10315T>G on transcript NM_031407.7 (MANE Select); coding-DNA position 10315, T replaced by G.
Protein change: p.Ser3439Ala; replaces serine 3439 with alanine.
Molecular consequence: missense variant.
Genome position (GRCh38, 1-based): chrX:53,547,994, A>C on the plus strand (T>G on the coding strand, the complement: HUWE1 is on the minus strand). VCF-style: chrX-53547994-A-C. GRCh37 (hg19) VCF-style: chrX-53574955-A-C.
Other names: c.10336T>G, p.Ser3446Ala (NM_001441055.1, NM_001441050.1); c.10312T>G, p.Ser3438Ala (NM_001441056.1, NM_001441058.1, NM_001441048.1 and 2 more transcripts); c.10315T>G, p.Ser3439Ala (NM_001441057.1, NM_001441049.1, NM_001441054.1); c.9913T>G, p.Ser3305Ala (NM_001441052.1); short protein forms S3305A, S3438A, S3439A, S3446A.
Identifiers: ClinVar variation 4529802 (VCV004529802.1).